The following is an entry in ClinVar:

NM_152594.3(SPRED1):c.1117G>T (p.Glu373Ter)

Gene: SPRED1 (sprouty related EVH1 domain containing 1; plus strand). Cytogenetic location: 15q14.
Variant type: single nucleotide variant.
Coding change: c.1117G>T on transcript NM_152594.3 (MANE Select); coding-DNA position 1117, G replaced by T.
Protein change: p.Glu373Ter; replaces glutamic acid 373 with a stop codon.
Molecular consequence: nonsense.
Genome position (GRCh38, 1-based): chr15:38,351,446, G>T. VCF-style: chr15-38351446-G-T. GRCh37 (hg19) VCF-style: chr15-38643647-G-T.
Other names: c.1117G>T (NM_152594.2); short protein forms E373*.
Identifiers: ClinVar variation 2805485 (VCV002805485.4), dbSNP rs2542743989, ClinGen allele CA391934193.

ClinVar aggregate classification (germline): Pathogenic. Review status: criteria provided, multiple submitters, no conflicts (2 of 4 stars). 2 submissions from 2 submitters: Pathogenic (2). Last evaluated 2025-12-10.

Conditions:
Legius syndrome. Identifiers: Orphanet 137605, MedGen C1969623, MONDO:0012669, OMIM 611431. Disease mechanism: loss of function.
SPRED1-related disorder. Also called: SPRED1-related condition.

Submissions (2):

PreventionGenetics, part of Exact Sciences
Classification: Pathogenic for SPRED1-related condition. Last evaluated: 2025-12-10. Review status: criteria provided, single submitter. Criteria: ACMG Guidelines, 2015. Collection method: clinical testing. Allele origin: germline.
Comment: The SPRED1 c.1117G>T variant is predicted to result in premature protein termination (p.Glu373*). To our knowledge this variant has not been reported in the literature or a large population database (gnomAD), indicating it is rare. This variant occurs in the last exon of SPRED1 and results in a prematurely truncated protein. The resulting protein is not expected to undergo nonsense mediated decay and the functional impact of this variant has not been studied. It is classified as pathogenic in ClinVar (Variation ID: 2805485). A different truncating variant located downstream of this variant (c.1252del; p.Cys418Alafs*6) was found to segregate in a family with clinical features consistent with Legius (neurofibromatosis type 1-like) syndrome (eTable 2, Messiaen et al. 2009. PubMed ID: 19920235) suggesting this domain is clinically relevant. Nonsense variants in SPRED1 are expected to be pathogenic. This variant is interpreted as pathogenic.

Labcorp Genetics (formerly Invitae), Labcorp
Classification: Pathogenic for Legius syndrome. Last evaluated: 2024-01-18. Review status: criteria provided, single submitter. Criteria: Invitae Variant Classification Sherloc (09022015). Collection method: clinical testing. Allele origin: germline.
Comment: This sequence change creates a premature translational stop signal (p.Glu373*) in the SPRED1 gene. While this is not anticipated to result in nonsense mediated decay, it is expected to disrupt the last 72 amino acid(s) of the SPRED1 protein. This variant is not present in population databases (gnomAD no frequency). This variant has not been reported in the literature in individuals affected with SPRED1-related conditions. This variant disrupts a region of the SPRED1 protein in which other variant(s) (p.Cys418Alafs*6) have been determined to be pathogenic (PMID: 19920235; Invitae). This suggests that this is a clinically significant region of the protein, and that variants that disrupt it are likely to be disease-causing. For these reasons, this variant has been classified as Pathogenic.

Literature cited by the submitters: PubMed 19920235 (cited by Labcorp Genetics (formerly Invitae), Labcorp).